The following is an entry in ClinVar:

NM_004656.4(BAP1):c.762A>C (p.Thr254=)

Gene: BAP1 (BRCA1 associated deubiquitinase 1; minus strand). Cytogenetic location: 3p21.1.
Variant type: single nucleotide variant.
Coding change: c.762A>C on transcript NM_004656.4 (MANE Select); coding-DNA position 762, A replaced by C.
Protein change: p.Thr254=; no amino-acid change (threonine 254 retained).
Molecular consequence: synonymous variant.
Genome position (GRCh38, 1-based): chr3:52,406,274, T>G on the plus strand (A>C on the coding strand, the complement: BAP1 is on the minus strand). VCF-style: chr3-52406274-T-G. GRCh37 (hg19) VCF-style: chr3-52440290-T-G.
Other names: c.708A>C, p.Thr236= (NM_001410772.1).
Identifiers: ClinVar variation 3379110 (VCV003379110.1).

ClinVar aggregate classification (germline): Benign (1 of 4 stars; one submission).

Conditions:
BAP1-related tumor predisposition syndrome (TPDS1). Also called: BAP1 tumor predisposition syndrome; Tumor susceptibility linked to germline BAP1 mutations; COMMON Syndrome; TUMOR PREDISPOSITION SYNDROME 1. Identifiers: Orphanet 289539, MedGen C3280492, MONDO:0013692, OMIM 614327.

gnomAD v4.1: 1 of 1,614,210 alleles (0.000062%); highest among the groups gnomAD compares: Non-Finnish European, 0.000085%; no homozygotes.

Submission:

Myriad Genetics, Inc.
Classification: Benign for BAP1-related tumor predisposition syndrome. Last evaluated: 2024-07-15. Review status: criteria provided, single submitter. Criteria: Myriad Autosomal Dominant, Autosomal Recessive and X-Linked Classification Criteria (2023). Collection method: clinical testing. Allele origin: unknown.
Comment: This variant is considered benign. This variant is a silent/synonymous amino acid change and it is not expected to impact splicing.